The following is an entry in ClinVar:

NM_000540.3(RYR1):c.14170A>C (p.Lys4724Gln)

Gene: RYR1 (ryanodine receptor 1; plus strand). Cytogenetic location: 19q13.2.
Variant type: single nucleotide variant.
Coding change: c.14170A>C on transcript NM_000540.3 (MANE Select); coding-DNA position 14170, A replaced by C.
Protein change: p.Lys4724Gln; replaces lysine 4724 with glutamine.
Molecular consequence: missense variant.
Genome position (GRCh38, 1-based): chr19:38,575,959, A>C. VCF-style: chr19-38575959-A-C. GRCh37 (hg19) VCF-style: chr19-39066599-A-C.
Other names: c.14155A>C, p.Lys4719Gln (NM_001042723.2); short protein forms K4724Q, K4719Q.
Identifiers: ClinVar variation 65957 (VCV000065957.5), dbSNP rs118192141, ClinGen allele CA024108.

ClinVar aggregate classification (germline): Uncertain significance. Review status: criteria provided, single submitter (1 of 4 stars). 3 submissions from 3 submitters: Uncertain significance (1). 2 of the submissions do not count toward it. Last evaluated 2024-09-23.

Conditions:
Malignant hyperthermia, susceptibility to, 1 (MHS1). Also called: Anesthesia related hyperthermia; Malignant hyperpyrexia; Fulminating hyperpyrexia; Pharmacogenic myopathy; RYR1-Related Malignant Hyperthermia Susceptibility; Malignant hyperthermia suceptibility 1. Identifiers: Orphanet 423, MedGen C2930980, MONDO:0007783, OMIM 145600.
Central core myopathy (CMYO1A). Also called: CONGENITAL MYOPATHY 1A, AUTOSOMAL DOMINANT, WITH SUSCEPTIBILITY TO MALIGNANT HYPERTHERMIA; Central core disease; Myopathy, central fibrillar. Identifiers: Orphanet 597, MedGen C5830701, MONDO:0007294, OMIM 117000.

Allele frequency attached by ClinVar (database versions not stated): gnomAD 0.00001.
gnomAD v4.1: 1 of 1,614,068 alleles (0.000062%); highest among the groups gnomAD compares: Admixed American, 0.0017%; no homozygotes.

Submissions (3):

All of Us Research Program, National Institutes of Health
Classification: Uncertain significance for Malignant hyperthermia, susceptibility to, 1. Last evaluated: 2024-09-23. Review status: criteria provided, single submitter. Criteria: ACMG Guidelines, 2015. Collection method: clinical testing. Allele origin: germline. Inheritance: Autosomal dominant inheritance. Observed: 2 variant alleles, 2 heterozygotes.
Comment: This missense variant replaces lysine with glutamine at codon 4724 of the RYR1 protein. Computational prediction suggests that this variant may have deleterious impact on protein structure and function (internally defined REVEL score threshold >= 0.7, PMID: 27666373). Although functional studies have not been reported for this variant, it occurs in the C-terminal region of the RYR1 protein (a.a. 4,631-4,991) that is considered to be a hotspot for pathogenic variants that may contribute to malignant hyperthermia susceptibility (PMID: 21118704). This variant has not been reported in individuals affected with autosomal dominant malignant hyperthermia in the literature, although it is associated with other phenotype(s) (ClinVar variation ID: 65957). This variant has not been identified in the general population by the Genome Aggregation Database (gnomAD). Due to insufficient evidence, this variant is classified as a Variant of Uncertain Significance for autosomal dominant malignant hyperthermia.

This study involves interpretation of variants in research participants for the purpose of population health screening. Participant phenotype was not available at the time of variant classification. Additional details can be found in publication PMID: 35346344, PMCID: PMC8962531

GeneReviews
Classification: Pathogenic for Central Core Disease. Last evaluated: 2010-05-11. Review status: no assertion criteria provided. Collection method: curation. Allele origin: unknown. Not counted in ClinVar's aggregate classification.
ClinVar note: Converted during submission from pathologic to Pathogenic.

RYR1 database
No classification provided. Review status: no classification provided. Collection method: not provided. Allele origin: unknown. Not counted in ClinVar's aggregate classification.

Literature cited by the submitters: PubMed 21118704 (cited by All of Us Research Program, National Institutes of Health).